The following is an entry in ClinVar:

NM_000238.4(KCNH2):c.1736T>C (p.Met579Thr)

Gene: KCNH2 (potassium voltage-gated channel subfamily H member 2; minus strand). Cytogenetic location: 7q36.1.
Variant type: single nucleotide variant.
Coding change: c.1736T>C on transcript NM_000238.4 (MANE Select); coding-DNA position 1736, T replaced by C.
Protein change: p.Met579Thr; replaces methionine 579 with threonine.
Molecular consequence: missense variant.
Genome position (GRCh38, 1-based): chr7:150,951,657, A>G on the plus strand (T>C on the coding strand, the complement: KCNH2 is on the minus strand). VCF-style: chr7-150951657-A-G. GRCh37 (hg19) VCF-style: chr7-150648745-A-G.
Other names: c.1736T>C (LRG_288t1); c.716T>C, p.Met239Thr (NM_001204798.2, NM_172057.3); c.1448T>C, p.Met483Thr (NM_001406753.1, NM_001406756.1); c.1559T>C, p.Met520Thr (NM_001406755.1); c.1436T>C, p.Met479Thr (NM_001406757.1); c.1736T>C, p.Met579Thr (NM_172056.3); short protein forms M239T, M579T, M520T, M479T, M483T.
Identifiers: ClinVar variation 67255 (VCV000067255.8), dbSNP rs199473425, ClinGen allele CA005308.

ClinVar aggregate classification (germline): Uncertain significance. Review status: criteria provided, single submitter (1 of 4 stars). 2 submissions from 2 submitters: Uncertain significance (1). 1 of the submissions does not count toward it. Last evaluated 2020-05-31.

Conditions:
Familial long QT syndrome (RWS). Also called: Congenital long QT syndrome; Romano-Ward syndrome; VENTRICULAR FIBRILLATION WITH PROLONGED QT INTERVAL. Identifiers: Orphanet 768, MedGen C1141890, MONDO:0019171.
Long QT syndrome (LQTS). Identifiers: MedGen C0023976, MeSH D008133, MONDO:0002442. Disease mechanism: loss of function. Inheritance: Various modes of inheritance.

Allele frequency attached by ClinVar (database versions not stated): TOPMed 0.00001.
gnomAD v4.1: 6 of 1,614,210 alleles (0.00037%); highest among the groups gnomAD compares: East Asian, 0.0067%; no homozygotes.

Submissions (2):

Labcorp Genetics (formerly Invitae), Labcorp
Classification: Uncertain significance for Long QT syndrome. Last evaluated: 2020-05-31. Review status: criteria provided, single submitter. Criteria: Invitae Variant Classification Sherloc (09022015). Collection method: clinical testing. Allele origin: germline.
Comment: This variant has been observed in individual(s) with clinical suspicion for long QT syndrome (PMID: 20541041). ClinVar contains an entry for this variant (Variation ID: 67255). This variant is not present in population databases (ExAC no frequency). This sequence change replaces methionine with threonine at codon 579 of the KCNH2 protein (p.Met579Thr). The methionine residue is weakly conserved and there is a moderate physicochemical difference between methionine and threonine. Algorithms developed to predict the effect of missense changes on protein structure and function (SIFT, PolyPhen-2, Align-GVGD) all suggest that this variant is likely to be tolerated, but these predictions have not been confirmed by published functional studies and their clinical significance is uncertain. In summary, the available evidence is currently insufficient to determine the role of this variant in disease. Therefore, it has been classified as a Variant of Uncertain Significance.

Cardiovascular Biomedical Research Unit, Royal Brompton & Harefield NHS Foundation Trust
No classification provided. Condition: Familial long QT syndrome. Review status: no classification provided. Collection method: literature only. Allele origin: germline. Not counted in ClinVar's aggregate classification.
Comment: This variant has been reported as associated with Long QT syndrome in the following publications (PMID:20541041). This is a literature report, and does not necessarily reflect the clinical interpretation of the Imperial College / Royal Brompton Cardiovascular Genetics laboratory.

Literature cited by the submitters: PubMed 20541041 (cited by Labcorp Genetics (formerly Invitae), Labcorp and Cardiovascular Biomedical Research Unit, Royal Brompton & Harefield NHS Foundation Trust); PubMed 22581653 (cited by Cardiovascular Biomedical Research Unit, Royal Brompton & Harefield NHS Foundation Trust).